The following is an entry in ClinVar:

NM_001360.3(DHCR7):c.742T>C (p.Trp248Arg)

Gene: DHCR7 (7-dehydrocholesterol reductase; minus strand). Cytogenetic location: 11q13.4.
Variant type: single nucleotide variant.
Coding change: c.742T>C on transcript NM_001360.3 (MANE Select); coding-DNA position 742, T replaced by C.
Protein change: p.Trp248Arg; replaces tryptophan 248 with arginine.
Molecular consequence: missense variant.
Genome position (GRCh38, 1-based): chr11:71,438,968, A>G on the plus strand (T>C on the coding strand, the complement: DHCR7 is on the minus strand). VCF-style: chr11-71438968-A-G. GRCh37 (hg19) VCF-style: chr11-71150014-A-G.
Other names: c.742T>C, p.Trp248Arg (NM_001163817.2); short protein forms W248R.
Identifiers: ClinVar variation 290579 (VCV000290579.7), dbSNP rs886044494, ClinGen allele CA10606828.

ClinVar aggregate classification (germline): Uncertain significance. Review status: criteria provided, multiple submitters, no conflicts (2 of 4 stars). 3 submissions from 3 submitters: Uncertain significance (2). 1 of the submissions does not count toward it. Last evaluated 2021-12-23.

Conditions:
Smith-Lemli-Opitz syndrome (SLOS). Also called: LETHAL ACRODYSGENITAL SYNDROME; POLYDACTYLY, SEX REVERSAL, RENAL HYPOPLASIA, AND UNILOBAR LUNG; RSH SYNDROME; RUTLEDGE LETHAL MULTIPLE CONGENITAL ANOMALY SYNDROME; 7-Dehydrocholesterol reductase deficiency. Identifiers: Orphanet 818, MedGen C0175694, MONDO:0010035, OMIM 270400.

Allele frequency attached by ClinVar (database versions not stated): gnomAD exomes below 0.00001; TOPMed below 0.00001.
gnomAD v4.1: 3 of 1,614,088 alleles (0.00019%); highest among the groups gnomAD compares: African/African-American, 0.0013%; no homozygotes.

Submissions (3):

Women's Health and Genetics/Laboratory Corporation of America, LabCorp
Classification: Uncertain significance. Last evaluated: 2021-12-23. Review status: criteria provided, single submitter. Criteria: LabCorp Variant Classification Summary - May 2015. Collection method: clinical testing. Allele origin: germline.
Comment: Variant summary: DHCR7 c.742T>C (p.Trp248Arg) results in a non-conservative amino acid change in the encoded protein sequence. Five of five in-silico tools predict a damaging effect of the variant on protein function. The variant allele was found at a frequency of 4e-06 in 251306 control chromosomes (gnomAD). The available data on variant occurrences in the general population are insufficient to allow any conclusion about variant significance. c.742T>C has been reported in the literature in individuals affected with Smith-Lemli-Opitz Syndrome (Waye_2002, Wassif_2005). These data do not allow any conclusion about variant significance. To our knowledge, no experimental evidence demonstrating an impact on protein function has been reported. Two ClinVar submitters (evaluation after 2014) cite the variant as uncertain significance. Based on the evidence outlined above, the variant was classified as uncertain significance.

Eurofins Ntd Llc (ga)
Classification: Uncertain significance. Last evaluated: 2016-08-24. Review status: criteria provided, single submitter. Criteria: EGL Classification Definitions 2015. Collection method: clinical testing. Allele origin: germline. Observed: 1 variant allele, 1 heterozygote.

Counsyl
Classification: Uncertain significance for Smith-Lemli-Opitz syndrome. Last evaluated: 2017-12-28. Review status: no assertion criteria provided. Collection method: clinical testing. Allele origin: unknown. Not counted in ClinVar's aggregate classification.

Literature cited by the submitters: PubMed 12070263 (cited by Women's Health and Genetics/Laboratory Corporation of America, LabCorp and Counsyl); PubMed 15896653 (cited by Women's Health and Genetics/Laboratory Corporation of America, LabCorp and Counsyl).